The following is an entry in ClinVar:

ClinVar aggregate classification (germline): Uncertain significance (1 of 4 stars; one submission).

Conditions:
Amyotrophic lateral sclerosis type 1 (ALS1). Also called: AMYOTROPHIC LATERAL SCLEROSIS 1, FAMILIAL. Identifiers: Orphanet 803, MedGen C1862939, MONDO:0007103, OMIM 105400.
Neuronopathy, distal hereditary motor, type 7B. Also called: HMN VIIB; LOWER MOTOR NEURON DISEASE, DYNACTIN TYPE; NEURONOPATHY, DISTAL HEREDITARY MOTOR, AUTOSOMAL DOMINANT 14; NEURONOPATHY, DISTAL HEREDITARY MOTOR, HARDING TYPE VIIB; NEUROPATHY, DISTAL HEREDITARY MOTOR, HARDING TYPE VIIB; NEUROPATHY, DISTAL HEREDITARY MOTOR, WITH VOCAL CORD PARALYSIS, HARDING TYPE VIIB. Identifiers: Orphanet 139589, MedGen C1843315, MONDO:0011879, OMIM 607641.
Perry syndrome. Also called: PARKINSONISM WITH ALVEOLAR HYPOVENTILATION AND MENTAL DEPRESSION. Identifiers: Orphanet 178509, MedGen C1868594, MONDO:0008201, OMIM 168605.

Submission:

Labcorp Genetics (formerly Invitae), Labcorp
Classification: Uncertain significance for Amyotrophic lateral sclerosis type 1; Neuronopathy, distal hereditary motor, type 7B; Perry syndrome. Last evaluated: 2022-12-23. Review status: criteria provided, single submitter. Criteria: Invitae Variant Classification Sherloc (09022015). Collection method: clinical testing. Allele origin: germline.
Comment: This sequence change creates a premature translational stop signal (p.Glu365*) in the DCTN1 gene. It is expected to result in an absent or disrupted protein product. However, the current clinical and genetic evidence is not sufficient to establish whether loss-of-function variants in DCTN1 cause disease. This variant is not present in population databases (gnomAD no frequency). This variant has not been reported in the literature in individuals affected with DCTN1-related conditions. Algorithms developed to predict the effect of sequence changes on RNA splicing suggest that this variant may disrupt the consensus splice site. In summary, the available evidence is currently insufficient to determine the role of this variant in disease. Therefore, it has been classified as a Variant of Uncertain Significance.

NM_004082.5(DCTN1):c.1093G>T (p.Glu365Ter)

Gene: DCTN1 (dynactin subunit 1; minus strand). Cytogenetic location: 2p13.1.
Variant type: single nucleotide variant.
Coding change: c.1093G>T on transcript NM_004082.5 (MANE Select); coding-DNA position 1093, G replaced by T.
Protein change: p.Glu365Ter; replaces glutamic acid 365 with a stop codon.
Molecular consequence: nonsense. On other transcripts: non-coding transcript variant (1).
Genome position (GRCh38, 1-based): chr2:74,370,500, C>A on the plus strand (G>T on the coding strand, the complement: DCTN1 is on the minus strand). VCF-style: chr2-74370500-C-A. GRCh37 (hg19) VCF-style: chr2-74597627-C-A.
Other names: c.1033G>T, p.Glu345Ter (NM_001135040.3); c.691G>T, p.Glu231Ter (NM_001135041.3, NM_023019.4); c.982G>T, p.Glu328Ter (NM_001190836.2); c.1072G>T, p.Glu358Ter (NM_001190837.2); c.1042G>T, p.Glu348Ter (NM_001378991.1); c.1024G>T, p.Glu342Ter (NM_001378992.1); short protein forms E231*, E342*, E365*, E328*, E345*, E348*, E358*.
Identifiers: ClinVar variation 2942610 (VCV002942610.3), dbSNP rs2103657897, ClinGen allele CA347363205.